The following is an entry in ClinVar:

NM_000038.6(APC):c.1665A>C (p.Ala555=)

Gene: APC (APC regulator of WNT signaling pathway; plus strand). Cytogenetic location: 5q22.2.
Variant type: single nucleotide variant.
Coding change: c.1665A>C on transcript NM_000038.6 (MANE Select); coding-DNA position 1665, A replaced by C.
Protein change: p.Ala555=; no amino-acid change (alanine 555 retained).
Molecular consequence: synonymous variant.
Genome position (GRCh38, 1-based): chr5:112,828,894, A>C. VCF-style: chr5-112828894-A-C. GRCh37 (hg19) VCF-style: chr5-112164591-A-C.
Other names: c.1665A>C, p.Ala555= (NM_001127510.3, NM_001354895.2, NM_001407450.1); c.1611A>C, p.Ala537= (NM_001127511.3); c.1719A>C, p.Ala573= (NM_001354896.2, NM_001407447.1, NM_001407448.1 and 1 more transcripts); c.1695A>C, p.Ala565= (NM_001354897.2); c.1590A>C, p.Ala530= (NM_001354898.2); c.1581A>C, p.Ala527= (NM_001354899.2); c.1542A>C, p.Ala514= (NM_001354900.2); c.1488A>C, p.Ala496= (NM_001354901.2, NM_001407453.1); and 11 more.
Identifiers: ClinVar variation 3896050 (VCV003896050.1).
Genomic context (GRCh38, chr5:112,828,894, plus strand): 5'-TCTAAAATTGATTAATTTGCAGGTTATTGCGAGTGTTTTGAGGAATTTGTCTTGGCGAGC[A>C]GATGTAAATAGTAAAAAGACGTTGCGAGAAGTTGGAAGTGTGAAAGCATTGATGGAATGT-3'
Protein context (NP_000029.2, residues 545-565): ASVLRNLSWR[Ala555=]DVNSKKTLRE

ClinVar aggregate classification (germline): Likely benign (1 of 4 stars; one submission).

Submission:

Women's Health and Genetics/Laboratory Corporation of America, LabCorp
Classification: Likely benign. Last evaluated: 2025-03-21. Review status: criteria provided, single submitter. Criteria: LabCorp Variant Classification Summary - May 2015. Collection method: clinical testing. Allele origin: germline.
Comment: Variant summary: APC c.1665A>C alters a conserved nucleotide resulting in a synonymous change. Consensus agreement among computation tools predict no significant impact on normal splicing. However, these predictions have yet to be confirmed by functional studies. The variant was absent in 251308 control chromosomes. The available data on variant occurrences in the general population are insufficient to allow any conclusion about variant significance. To our knowledge, no occurrence of c.1665A>C in individuals affected with Familial Adenomatous Polyposis and no experimental evidence demonstrating its impact on protein function have been reported. No submitters have cited clinical-significance assessments for this variant to ClinVar. Based on the evidence outlined above, the variant was classified as likely benign.